The following is an entry in ClinVar:

ClinVar aggregate classification (germline): Uncertain significance (1 of 4 stars; one submission).

Submission:

CeGaT Center for Human Genetics Tuebingen
Classification: Uncertain significance. Last evaluated: 2025-05-01. Review status: criteria provided, single submitter. Criteria: CeGaT Center For Human Genetics Tuebingen Variant Classification Criteria Version 2. Collection method: clinical testing. Allele origin: germline. Affected: yes. Observed: 1 variant allele.
Comment: MED13L: PM2, BP4

NM_015335.5(MED13L):c.4241G>C (p.Gly1414Ala)

Gene: MED13L (mediator complex subunit 13L; minus strand). Cytogenetic location: 12q24.21.
Variant type: single nucleotide variant.
Coding change: c.4241G>C on transcript NM_015335.5 (MANE Select); coding-DNA position 4241, G replaced by C.
Protein change: p.Gly1414Ala; replaces glycine 1414 with alanine.
Molecular consequence: missense variant.
Genome position (GRCh38, 1-based): chr12:115,986,363, C>G on the plus strand (G>C on the coding strand, the complement: MED13L is on the minus strand). VCF-style: chr12-115986363-C-G. GRCh37 (hg19) VCF-style: chr12-116424168-C-G.
Other names: short protein forms G1414A.
Identifiers: ClinVar variation 3905369 (VCV003905369.10).